The following is an entry in ClinVar:

NM_133433.4(NIPBL):c.700C>T (p.His234Tyr)

Gene: NIPBL (NIPBL cohesin loading factor; plus strand). Cytogenetic location: 5p13.2.
Variant type: single nucleotide variant.
Coding change: c.700C>T on transcript NM_133433.4 (MANE Select); coding-DNA position 700, C replaced by T.
Protein change: p.His234Tyr; replaces histidine 234 with tyrosine.
Molecular consequence: missense variant.
Genome position (GRCh38, 1-based): chr5:36,970,965, C>T. VCF-style: chr5-36970965-C-T. GRCh37 (hg19) VCF-style: chr5-36971067-C-T.
Other names: c.700C>T, p.His234Tyr (NM_015384.5); short protein forms H234Y.
Identifiers: ClinVar variation 3712021 (VCV003712021.2).

ClinVar aggregate classification (germline): Uncertain significance (1 of 4 stars; one submission).

Conditions:
Cornelia de Lange syndrome 1 (CDLS1). Also called: TYPUS DEGENERATIVUS AMSTELODAMENSIS; Brachmann de Lange syndrome; NIPBL-Related Cornelia de Lange Syndrome. Identifiers: Orphanet 199, MedGen C4551851, MONDO:0007387, OMIM 122470.

gnomAD v4.1: 4 of 1,613,148 alleles (0.00025%); highest among the groups gnomAD compares: Admixed American, 0.0067%; no homozygotes.

Submission:

Labcorp Genetics (formerly Invitae), Labcorp
Classification: Uncertain significance for Cornelia de Lange syndrome 1. Last evaluated: 2024-09-19. Review status: criteria provided, single submitter. Criteria: Invitae Variant Classification Sherloc (09022015). Collection method: clinical testing. Allele origin: germline.
Comment: This sequence change replaces histidine, which is basic and polar, with tyrosine, which is neutral and polar, at codon 234 of the NIPBL protein (p.His234Tyr). This variant is not present in population databases (gnomAD no frequency). This variant has not been reported in the literature in individuals affected with NIPBL-related conditions. Invitae Evidence Modeling of protein sequence and biophysical properties (such as structural, functional, and spatial information, amino acid conservation, physicochemical variation, residue mobility, and thermodynamic stability) has been performed for this missense variant. However, the output from this modeling did not meet the statistical confidence thresholds required to predict the impact of this variant on NIPBL protein function. In summary, the available evidence is currently insufficient to determine the role of this variant in disease. Therefore, it has been classified as a Variant of Uncertain Significance.